The following is an entry in ClinVar:

ClinVar aggregate classification (germline): Likely benign. Review status: criteria provided, multiple submitters, no conflicts (2 of 4 stars). 2 submissions from 2 submitters: Likely benign (2). Last evaluated 2023-05-04.

Conditions:
Aneurysm-osteoarthritis syndrome. Also called: SMAD3-Related Loeys-Dietz Syndrome; ANEURYSMS-OSTEOARTHRITIS SYNDROME; Loeys-Dietz syndrome, type 1C; LOEYS-DIETZ SYNDROME WITH OSTEOARTHRITIS. Identifiers: Orphanet 284984, MedGen C3151087, MONDO:0013426, OMIM 613795.
Familial thoracic aortic aneurysm and aortic dissection (TAAD). Also called: Thoracic aortic aneurysms and dissections. Identifiers: Orphanet 91387, MedGen C4707243, MONDO:0019625.

Allele frequency attached by ClinVar (database versions not stated): gnomAD exomes below 0.00001.

Submissions (2):

All of Us Research Program, National Institutes of Health
Classification: Likely benign for Aneurysm-osteoarthritis syndrome. Last evaluated: 2023-05-04. Review status: criteria provided, single submitter. Criteria: ACMG Guidelines, 2015. Collection method: clinical testing. Allele origin: germline. Inheritance: Autosomal dominant inheritance. Observed: 1 variant allele, 1 heterozygote.
Comment: This study involves interpretation of variants in research participants for the purpose of population health screening. Participant phenotype was not available at the time of variant classification. Additional details can be found in publication PMID: 35346344, PMCID: PMC8962531

Color Diagnostics, LLC DBA Color Health
Classification: Likely benign for Familial thoracic aortic aneurysm and aortic dissection. Last evaluated: 2023-04-26. Review status: criteria provided, single submitter. Criteria: ACMG Guidelines, 2015. Collection method: clinical testing. Allele origin: germline.

NM_005902.4(SMAD3):c.13C>T (p.Leu5=)

Genes: SMAD3 (SMAD family member 3; plus strand), LOC130057352 (ATAC-STARR-seq lymphoblastoid silent region 6574; plus strand). Cytogenetic location: 15q22.33.
Variant type: single nucleotide variant.
Coding change: c.13C>T on transcript NM_005902.4 (MANE Select); coding-DNA position 13, C replaced by T.
Protein change: p.Leu5=; no amino-acid change (leucine 5 retained).
Molecular consequence: synonymous variant.
Genome position (GRCh38, 1-based): chr15:67,066,167, C>T. VCF-style: chr15-67066167-C-T. GRCh37 (hg19) VCF-style: chr15-67358505-C-T.
Other names: c.13C>T, p.Leu5= (NM_001407011.1, NM_001407012.1, NM_001407013.1).
Identifiers: ClinVar variation 3070747 (VCV003070747.2), dbSNP rs2504999794, ClinGen allele CA491015049.